The following is an entry in ClinVar:

ClinVar aggregate classification (germline): Uncertain significance (1 of 4 stars; one submission).

Conditions:
SEMA3G-related disorder. Also called: SEMA3G-related condition.

gnomAD v4.1: 14 of 1,612,966 alleles (0.00087%); highest among the groups gnomAD compares: African/African-American, 0.0093%; no homozygotes.

Submission:

PreventionGenetics, part of Exact Sciences
Classification: Uncertain significance for SEMA3G-related condition. Last evaluated: 2026-08-21. Review status: criteria provided, single submitter. Criteria: ACMG Guidelines, 2015. Collection method: clinical testing. Allele origin: germline.
Comment: The SEMA3G c.1682G>A variant is predicted to result in the amino acid substitution p.Arg561Gln. To our knowledge, this variant has not been reported in the literature. This variant is reported in 0.0055% of alleles in individuals of East Asian descent in gnomAD. At this time, the clinical significance of this variant is uncertain due to the absence of conclusive functional and genetic evidence.

NM_020163.3(SEMA3G):c.1682G>A (p.Arg561Gln)

Gene: SEMA3G (semaphorin 3G; minus strand). Cytogenetic location: 3p21.1.
Variant type: single nucleotide variant.
Coding change: c.1682G>A on transcript NM_020163.3 (MANE Select); coding-DNA position 1682, G replaced by A.
Protein change: p.Arg561Gln; replaces arginine 561 with glutamine.
Molecular consequence: missense variant.
Genome position (GRCh38, 1-based): chr3:52,438,027, C>T on the plus strand (G>A on the coding strand, the complement: SEMA3G is on the minus strand). VCF-style: chr3-52438027-C-T. GRCh37 (hg19) VCF-style: chr3-52472043-C-T.
Other names: short protein forms R561Q.
Identifiers: ClinVar variation 4977725 (VCV004977725.1).
Genomic context (GRCh38, chr3:52,438,027, plus strand): 5'-TCACCTTCCTGGCTCTGGCCCAGGCACTGCAGGGCAGGGTTGCCGTGCCGGATGTCCTGC[C>T]GGCGGAACCGGCGCTTGCCAAGGCTGGGGCGGTAGTGGGTACAGGAGGCACCATCCCAGG-3'
Protein context (NP_064548.1, residues 551-571): RPSLGKRRFR[Arg561Gln]QDIRHGNPAL